The following is an entry in ClinVar:

ClinVar aggregate classification (germline): Uncertain significance (1 of 4 stars; one submission).

Conditions:
Infantile-onset ascending hereditary spastic paralysis (IAHSP). Also called: Autosomal Recessive Juvenile Amyotrophic Lateral Sclerosis; Infantile-Onset Ascending Hereditary Spastic Paralysis (IAHSP). Identifiers: Orphanet 293168, MedGen C2931441, MONDO:0011797, OMIM 607225. Disease mechanism: loss of function.

Allele frequency attached by ClinVar (database versions not stated): gnomAD exomes below 0.00001.
gnomAD v4.1: 3 of 1,613,390 alleles (0.00019%); highest among the groups gnomAD compares: Middle Eastern, 0.017%; no homozygotes.

Submission:

Labcorp Genetics (formerly Invitae), Labcorp
Classification: Uncertain significance for Infantile-onset ascending hereditary spastic paralysis. Last evaluated: 2022-05-27. Review status: criteria provided, single submitter. Criteria: Invitae Variant Classification Sherloc (09022015). Collection method: clinical testing. Allele origin: germline.
Comment: This sequence change replaces glutamic acid, which is acidic and polar, with lysine, which is basic and polar, at codon 1466 of the ALS2 protein (p.Glu1466Lys). This variant is not present in population databases (gnomAD no frequency). This variant has not been reported in the literature in individuals affected with ALS2-related conditions. Algorithms developed to predict the effect of missense changes on protein structure and function (SIFT, PolyPhen-2, Align-GVGD) all suggest that this variant is likely to be tolerated. In summary, the available evidence is currently insufficient to determine the role of this variant in disease. Therefore, it has been classified as a Variant of Uncertain Significance.

NM_020919.4(ALS2):c.4396G>A (p.Glu1466Lys)

Gene: ALS2 (alsin Rho guanine nucleotide exchange factor ALS2; minus strand). Cytogenetic location: 2q33.1.
Variant type: single nucleotide variant.
Coding change: c.4396G>A on transcript NM_020919.4 (MANE Select); coding-DNA position 4396, G replaced by A.
Protein change: p.Glu1466Lys; replaces glutamic acid 1466 with lysine.
Molecular consequence: missense variant.
Genome position (GRCh38, 1-based): chr2:201,707,876, C>T on the plus strand (G>A on the coding strand, the complement: ALS2 is on the minus strand). VCF-style: chr2-201707876-C-T. GRCh37 (hg19) VCF-style: chr2-202572599-C-T.
Other names: c.4393G>A, p.Glu1465Lys (NM_001410975.1); short protein forms E1466K, E1465K.
Identifiers: ClinVar variation 2196140 (VCV002196140.1), dbSNP rs370365603, ClinGen allele CA350322451.